The following is an entry in ClinVar:

ClinVar aggregate classification (germline): Likely benign. Review status: criteria provided, multiple submitters, no conflicts (2 of 4 stars). 2 submissions from 2 submitters: Likely benign (2). Last evaluated 2025-12-24.

Conditions:
ADK-related disorder. Also called: ADK-related condition.

Allele frequency attached by ClinVar (database versions not stated): gnomAD exomes 0.00004 and 0.00009; ExAC 0.00011; ESP Exome Variant Server 0.00015; 1000 Genomes Project 0.00020; 1000 Genomes Project 30x 0.00031; gnomAD 0.00033 and 0.00034; TOPMed 0.00040.
gnomAD v4.1: 111 of 1,613,226 alleles (0.0069%); highest among the groups gnomAD compares: African/African-American, 0.13%; no homozygotes.

Submissions (2):

Labcorp Genetics (formerly Invitae), Labcorp
Classification: Likely benign. Last evaluated: 2025-12-24. Review status: criteria provided, single submitter. Criteria: Invitae Variant Classification Sherloc (09022015). Collection method: clinical testing. Allele origin: germline.

PreventionGenetics, part of Exact Sciences
Classification: Likely benign for ADK-related condition. Last evaluated: 2025-12-07. Review status: criteria provided, single submitter. Criteria: ACMG Guidelines, 2015. Collection method: clinical testing. Allele origin: germline.
Comment: This variant is classified as likely benign based on ACMG/AMP sequence variant interpretation guidelines (Richards et al. 2015 PMID: 25741868, with internal and published modifications).

NM_006721.4(ADK):c.141-5T>C

Gene: ADK (adenosine kinase; plus strand). Cytogenetic location: 10q22.2.
Variant type: single nucleotide variant.
Coding change: c.141-5T>C on transcript NM_006721.4 (MANE Select); 5 bases into the intron before coding-DNA position 141, T replaced by C.
Molecular consequence: intron variant.
Genome position (GRCh38, 1-based): chr10:74,224,533, T>C. VCF-style: chr10-74224533-T-C. GRCh37 (hg19) VCF-style: chr10-75984291-T-C.
Other names: c.141-5T>C (NM_006721.3, NM_001369123.1, NM_001202450.2); c.90-5T>C (NM_001123.4, NM_001369124.1); c.89+23695T>C (NM_001202449.2).
Identifiers: ClinVar variation 738577 (VCV000738577.10), dbSNP rs372338209, ClinGen allele CA5563884.